The following is an entry in ClinVar:

ClinVar aggregate classification (germline): Uncertain significance (1 of 4 stars; one submission).

Conditions:
Hypertrophic cardiomyopathy. Also called: HYPERTROPHIC MYOCARDIOPATHY. Identifiers: Orphanet 217569, MedGen C0007194, MeSH D002312, MONDO:0005045, HP:0001639.

Allele frequency attached by ClinVar (database versions not stated): gnomAD exomes below 0.00001.
gnomAD v4.1: 2 of 1,613,636 alleles (0.00012%); highest among the groups gnomAD compares: South Asian, 0.0011%; no homozygotes.

Submission:

All of Us Research Program, National Institutes of Health
Classification: Uncertain significance for Hypertrophic cardiomyopathy. Last evaluated: 2023-07-19. Review status: criteria provided, single submitter. Criteria: ACMG Guidelines, 2015. Collection method: clinical testing. Allele origin: germline. Inheritance: Autosomal dominant inheritance. Observed: 1 variant allele, 1 heterozygote.
Comment: This missense variant replaces lysine with glutamic acid at codon 153 of the MYL2 protein. Computational prediction suggests that this variant may not impact protein structure and function (internally defined REVEL score threshold <= 0.5, PMID: 27666373). To our knowledge, functional studies have not been reported for this variant. This variant has not been reported in individuals affected with MYL2-related disorders in the literature. This variant has been identified in 1/249314 chromosomes in the general population by the Genome Aggregation Database (gnomAD). The available evidence is insufficient to determine the role of this variant in disease conclusively. Therefore, this variant is classified as a Variant of Uncertain Significance.

This study involves interpretation of variants in research participants for the purpose of population health screening. Participant phenotype was not available at the time of variant classification. Additional details can be found in publication PMID: 35346344, PMCID: PMC8962531

NM_000432.4(MYL2):c.457A>G (p.Lys153Glu)

Gene: MYL2 (myosin light chain 2; minus strand). Cytogenetic location: 12q24.11.
Variant type: single nucleotide variant.
Coding change: c.457A>G on transcript NM_000432.4 (MANE Select); coding-DNA position 457, A replaced by G.
Protein change: p.Lys153Glu; replaces lysine 153 with glutamic acid.
Molecular consequence: missense variant.
Genome position (GRCh38, 1-based): chr12:110,911,121, T>C on the plus strand (A>G on the coding strand, the complement: MYL2 is on the minus strand). VCF-style: chr12-110911121-T-C. GRCh37 (hg19) VCF-style: chr12-111348925-T-C.
Other names: c.415A>G, p.Lys139Glu (NM_001406745.1, NM_001406746.1); c.400A>G, p.Lys134Glu (NM_001406916.1); short protein forms K134E, K139E, K153E.
Identifiers: ClinVar variation 3072482 (VCV003072482.1), dbSNP rs1330826679, ClinGen allele CA386696785.
Genomic context (GRCh38, chr12:110,911,121, plus strand): 5'-AGCAGCGAGCCCCCTCCTAGTCCTTCTCTTCTCCGTGGGTGATGATGTGCACCAGGTTCT[T>C]GTAGTCCAAGTTGCCAGTCACGTCAGGGGGGAAGGCGGCGAACATCTGGTCAACCTGCAA-3'
Protein context (NP_000423.2, residues 143-163): PPDVTGNLDY[Lys153Glu]NLVHIITHGE